The following is an entry in ClinVar:

ClinVar aggregate classification (germline): Uncertain significance (1 of 4 stars; one submission).

Submission:

Labcorp Genetics (formerly Invitae), Labcorp
Classification: Uncertain significance. Last evaluated: 2023-11-01. Review status: criteria provided, single submitter. Criteria: Invitae Variant Classification Sherloc (09022015). Collection method: clinical testing. Allele origin: germline.
Comment: This sequence change replaces serine, which is neutral and polar, with arginine, which is basic and polar, at codon 560 of the CSF1R protein (p.Ser560Arg). This variant is not present in population databases (gnomAD no frequency). This variant has not been reported in the literature in individuals affected with CSF1R-related conditions. Advanced modeling of protein sequence and biophysical properties (such as structural, functional, and spatial information, amino acid conservation, physicochemical variation, residue mobility, and thermodynamic stability) performed at Invitae indicates that this missense variant is not expected to disrupt CSF1R protein function with a negative predictive value of 95%. In summary, the available evidence is currently insufficient to determine the role of this variant in disease. Therefore, it has been classified as a Variant of Uncertain Significance.

NM_001288705.3(CSF1R):c.1678A>C (p.Ser560Arg)

Gene: CSF1R (colony stimulating factor 1 receptor; minus strand). Cytogenetic location: 5q32.
Variant type: single nucleotide variant.
Coding change: c.1678A>C on transcript NM_001288705.3 (MANE Select); coding-DNA position 1678, A replaced by C.
Protein change: p.Ser560Arg; replaces serine 560 with arginine.
Molecular consequence: missense variant. On other transcripts: non-coding transcript variant (2).
Genome position (GRCh38, 1-based): chr5:150,061,798, T>G on the plus strand (A>C on the coding strand, the complement: CSF1R is on the minus strand). VCF-style: chr5-150061798-T-G. GRCh37 (hg19) VCF-style: chr5-149441361-T-G.
Other names: c.1678A>C, p.Ser560Arg (NM_001349736.2, NM_001375320.1, NM_005211.4); c.1234A>C, p.Ser412Arg (NM_001375321.1); short protein forms S412R, S560R.
Identifiers: ClinVar variation 2773261 (VCV002773261.3), dbSNP rs2480978829, ClinGen allele CA361714613.